The following is an entry in ClinVar:

ClinVar aggregate classification (germline): Uncertain significance (1 of 4 stars; one submission).

Submission:

GeneDx
Classification: Uncertain significance. Last evaluated: 2015-01-13. Review status: criteria provided, single submitter. Criteria: GeneDx Variant Classification (06012015). Collection method: clinical testing. Allele origin: germline. Affected: yes.
Comment: c.113_115delCCT: p.Ser38del (S38del) in exon 1 of the LRPPRC gene (NM_133259.3). The normal sequence with the bases that are deleted in braces is: GCCT{CCT}ATCT A variant of unknown significance has been identified in the LRPPRC gene. The c.113_115delCCT variant has not been published as a mutation, nor has it been reported as a benign polymorphism to our knowledge. This deletion of three nucleotides causes a deletion of a Serine residue at codon 38, denoted p.Ser38del. The c.113_115delCCT variant occurs at a position that is not conserved across species. Therefore, based on the currently available information, it is unclear whether this variant is a pathogenic mutation or a rare benign variant. The variant is found in OAPEO-MITOP panel(s).

NM_133259.4(LRPPRC):c.110CCT[1] (p.Ser38del)

Gene: LRPPRC (leucine rich pentatricopeptide repeat containing; minus strand). Cytogenetic location: 2p21.
Variant type: Microsatellite.
Coding change: c.110CCT[1] on transcript NM_133259.4 (MANE Select); one copy of the 3-base unit CCT starting at c.110; the reference has two copies in a row; one copy, 3 bases deleted.
Protein change: p.Ser38del; deletes serine 38.
Molecular consequence: inframe deletion.
Genome position (GRCh38, 1-based): chr2:43,995,833-43,995,835, AGG deleted on the plus strand (CCT on the coding strand, the reverse complement: LRPPRC is on the minus strand); deleting any 3 consecutive bases within chr2:43,995,833-43,995,838 gives the same sequence; the position shown is the placement nearest the transcript's 3' end. VCF-style (leftmost placement, unchanged base first): chr2-43995832-TAGG-T. GRCh37 (hg19) VCF-style: chr2-44222971-TAGG-T.
Other names: short protein forms S38del.
Identifiers: ClinVar variation 214624 (VCV000214624.1), dbSNP rs863224061, ClinGen allele CA321913.
Genomic context (GRCh38, chr2:43,995,832, plus strand): 5'-GCCTGGAGAAAGGGCCTGGGCACTCACCCGGCCACGGGCCCGGCGCGAGCGGCGGGCAGA[TAGG>T]AGGCGGCATGCAGCCGGCCCGGGCCGCCAGGGAGGAGGCGCAGGGAGAGCGGGAGGCGCG-3'